The following is an entry in ClinVar:

NM_001145026.2(PTPRQ):c.3147T>G (p.Asp1049Glu)

Gene: PTPRQ (protein tyrosine phosphatase receptor type Q; plus strand). Cytogenetic location: 12q21.31.
Variant type: single nucleotide variant.
Coding change: c.3147T>G on transcript NM_001145026.2 (MANE Select); coding-DNA position 3147, T replaced by G.
Protein change: p.Asp1049Glu; replaces aspartic acid 1049 with glutamic acid.
Molecular consequence: missense variant.
Genome position (GRCh38, 1-based): chr12:80,539,937, T>G. VCF-style: chr12-80539937-T-G. GRCh37 (hg19) VCF-style: chr12-80933716-T-G.
Other names: short protein forms D1049E.
Identifiers: ClinVar variation 4685307 (VCV004685307.1).

ClinVar aggregate classification (germline): Uncertain significance (1 of 4 stars; one submission).

gnomAD v4.1: 37 of 1,517,122 alleles (0.0024%); highest among the groups gnomAD compares: Admixed American, 0.0044%; no homozygotes.

Submission:

GeneDx
Classification: Uncertain significance. Last evaluated: 2025-07-11. Review status: criteria provided, single submitter. Criteria: GeneDx Variant Classification Process June 2021. Collection method: clinical testing. Allele origin: germline. Affected: yes.
Comment: In silico analysis suggests that this missense variant does not alter protein structure/function; Has not been previously published as pathogenic or benign to our knowledge